The following is an entry in ClinVar:

NM_003250.6(THRA):c.1416dup (p.Ser473fs)

Genes: NR1D1 (nuclear receptor subfamily 1 group D member 1; minus strand), THRA (thyroid hormone receptor alpha; plus strand). Cytogenetic location: 17q21.1.
Variant type: Duplication.
Coding change: c.1416dup on transcript NM_003250.6; coding-DNA position 1416, one base duplicated (C; older notation c.1416dupC).
Protein change: p.Ser473fs; shifts the reading frame from serine 473.
Molecular consequence: frameshift variant. On other transcripts: intron variant (1).
Genome position (GRCh38, 1-based): chr17:40,093,325, C duplicated; the last of 2 consecutive C bases (chr17:40,093,324-40,093,325); duplicating either gives the same sequence. VCF-style (leftmost placement, unchanged base first): chr17-40093323-T-TC. GRCh37 (hg19) VCF-style: chr17-38249576-T-TC.
Other names: c.1416dupC (NM_003250.6); c.1299dup, p.Ser434fs (NM_001190918.2); c.1416dup, p.Ser473fs (NM_001190919.2); c.1646-42dup (NM_021724.5); short protein forms S434fs, S473fs.
Identifiers: ClinVar variation 1299533 (VCV001299533.3), dbSNP rs2145097039, ClinGen allele CA2499224303.

ClinVar aggregate classification (germline): Pathogenic (1 of 4 stars; one submission).

Conditions:
Congenital nongoitrous hypothyroidism 6. Also called: Congenital nongoitrous hypothryoidism 6. Identifiers: Orphanet 97927, MedGen C3280817, MONDO:0013757, OMIM 614450.

Submission:

Laboratory of Medical Genetics, National & Kapodistrian University of Athens
Classification: Pathogenic for Congenital nongoitrous hypothyroidism 6. Last evaluated: 2021-10-01. Review status: criteria provided, single submitter. Criteria: ACMG Guidelines, 2015. Collection method: clinical testing. Allele origin: unknown. Affected: yes.
Comment: PVS1, PM2, PP3, PP4

Literature cited by the submitters: PubMed 34008892.